The following is an entry in ClinVar:

NM_000393.5(COL5A2):c.1661A>G (p.Lys554Arg)

Gene: COL5A2 (collagen type V alpha 2 chain; minus strand). Cytogenetic location: 2q32.2.
Variant type: single nucleotide variant.
Coding change: c.1661A>G on transcript NM_000393.5 (MANE Select); coding-DNA position 1661, A replaced by G.
Protein change: p.Lys554Arg; replaces lysine 554 with arginine.
Molecular consequence: missense variant.
Genome position (GRCh38, 1-based): chr2:189,064,612, T>C on the plus strand (A>G on the coding strand, the complement: COL5A2 is on the minus strand). VCF-style: chr2-189064612-T-C. GRCh37 (hg19) VCF-style: chr2-189929338-T-C.
Other names: short protein forms K554R.
Identifiers: ClinVar variation 4768523 (VCV004768523.1).

ClinVar aggregate classification (germline): Uncertain significance (1 of 4 stars; one submission).

Conditions:
Ehlers-Danlos syndrome, classic type, 1 (EDSCL1). Also called: EHLERS-DANLOS SYNDROME, GRAVIS TYPE; EHLERS-DANLOS SYNDROME, SEVERE CLASSIC TYPE; Ehlers-Danlos syndrome, type 1; Ehlers-Danlos Syndrome, Classic Type, COL5A1-Related; EDS I. Identifiers: MedGen C0268335, MONDO:0019567, OMIM 130000.

gnomAD v4.1: 1 of 1,614,020 alleles (0.000062%); highest among the groups gnomAD compares: Non-Finnish European, 0.000085%; no homozygotes.

Submission:

Labcorp Genetics (formerly Invitae), Labcorp
Classification: Uncertain significance for Ehlers-Danlos syndrome, classic type, 1. Last evaluated: 2026-01-27. Review status: criteria provided, single submitter. Criteria: Invitae Variant Classification Sherloc (09022015). Collection method: clinical testing. Allele origin: germline.
Comment: This sequence change replaces lysine, which is basic and polar, with arginine, which is basic and polar, at codon 554 of the COL5A2 protein (p.Lys554Arg). This variant is not present in population databases (gnomAD no frequency). This variant has not been reported in the literature in individuals affected with COL5A2-related conditions. Invitae Evidence Modeling of protein sequence and biophysical properties (such as structural, functional, and spatial information, amino acid conservation, physicochemical variation, residue mobility, and thermodynamic stability) indicates that this missense variant is not expected to disrupt COL5A2 protein function with a negative predictive value of 80%. In summary, the available evidence is currently insufficient to determine the role of this variant in disease. Therefore, it has been classified as a Variant of Uncertain Significance.